The following is an entry in ClinVar:

NM_020778.5(ALPK3):c.2285G>A (p.Gly762Glu)

Gene: ALPK3 (alpha kinase 3; plus strand). Cytogenetic location: 15q25.3.
Variant type: single nucleotide variant.
Coding change: c.2285G>A on transcript NM_020778.5 (MANE Select); coding-DNA position 2285, G replaced by A.
Protein change: p.Gly762Glu; replaces glycine 762 with glutamic acid.
Molecular consequence: missense variant.
Genome position (GRCh38, 1-based): chr15:84,857,023, G>A. VCF-style: chr15-84857023-G-A. GRCh37 (hg19) VCF-style: chr15-85400254-G-A.
Other names: short protein forms G762E.
Identifiers: ClinVar variation 1484396 (VCV001484396.7), dbSNP rs267604353, ClinGen allele CA273624142.

ClinVar aggregate classification (germline): Uncertain significance (1 of 4 stars; one submission).

gnomAD v4.1: 1 of 1,614,090 alleles (0.000062%); highest among the groups gnomAD compares: Admixed American, 0.0017%; no homozygotes.

Submission:

Labcorp Genetics (formerly Invitae), Labcorp
Classification: Uncertain significance. Last evaluated: 2021-06-16. Review status: criteria provided, single submitter. Criteria: Invitae Variant Classification Sherloc (09022015). Collection method: clinical testing. Allele origin: germline.
Comment: This sequence change replaces glycine with glutamic acid at codon 964 of the ALPK3 protein (p.Gly964Glu). The glycine residue is weakly conserved and there is a moderate physicochemical difference between glycine and glutamic acid. This variant is not present in population databases (ExAC no frequency). This variant has not been reported in the literature in individuals with ALPK3-related conditions. Algorithms developed to predict the effect of missense changes on protein structure and function output the following: SIFT: "Tolerated"; PolyPhen-2: "Benign"; Align-GVGD: "Class C0". The glutamic acid amino acid residue is found in multiple mammalian species, suggesting that this missense change does not adversely affect protein function. These predictions have not been confirmed by published functional studies and their clinical significance is uncertain. In summary, the available evidence is currently insufficient to determine the role of this variant in disease. Therefore, it has been classified as a Variant of Uncertain Significance.